The following is an entry in ClinVar:

ClinVar aggregate classification (germline): Likely benign (1 of 4 stars; one submission).

Conditions:
PHIP-related disorder. Also called: PHIP-related condition; PHIP-related disorders.

gnomAD v4.1: 52 of 1,540,888 alleles (0.0034%); highest among the groups gnomAD compares: Non-Finnish European, 0.0034%; no homozygotes.

Submission:

PreventionGenetics, part of Exact Sciences
Classification: Likely benign for PHIP-related condition. Last evaluated: 2025-01-02. Review status: criteria provided, single submitter. Criteria: ACMG Guidelines, 2015. Collection method: clinical testing. Allele origin: germline.
Comment: This variant is classified as likely benign based on ACMG/AMP sequence variant interpretation guidelines (Richards et al. 2015 PMID: 25741868, with internal and published modifications).

NM_017934.7(PHIP):c.4631-6T>C

Genes: IRAK1BP1 (interleukin 1 receptor associated kinase 1 binding protein 1; plus strand), PHIP (PHIP subunit of CUL4-Ring ligase complex; minus strand). Cytogenetic location: 6q14.1.
Variant type: single nucleotide variant.
Coding change: c.4631-6T>C on transcript NM_017934.7 (MANE Select); 6 bases into the intron before coding-DNA position 4631, T replaced by C.
Molecular consequence: intron variant.
Genome position (GRCh38, 1-based): chr6:78,945,503, A>G on the plus strand (T>C on the coding strand, the complement: PHIP is on the minus strand). VCF-style: chr6-78945503-A-G. GRCh37 (hg19) VCF-style: chr6-79655220-A-G.
Identifiers: ClinVar variation 4978614 (VCV004978614.1).
Genomic context (GRCh38, chr6:78,945,503, plus strand): 5'-CCAGGACTGGAAAGAGTATTCAAAGCTTTGGAATGTTTCACAGAATTCTCTAGTACTAAA[A>G]CATACAAACAAAATTTAAAAATTAAGAGTTATTGAACCTAAAGATAAGAAAAAAGGTTAA-3'